The following is an entry in ClinVar:

ClinVar aggregate classification (germline): Uncertain significance (1 of 4 stars; one submission).

Submission:

Labcorp Genetics (formerly Invitae), Labcorp
Classification: Uncertain significance. Last evaluated: 2021-12-24. Review status: criteria provided, single submitter. Criteria: Invitae Variant Classification Sherloc (09022015). Collection method: clinical testing. Allele origin: germline.
Comment: This sequence change replaces glycine, which is neutral and non-polar, with valine, which is neutral and non-polar, at codon 187 of the PROSC protein (p.Gly187Val). This variant is not present in population databases (gnomAD no frequency). This variant has not been reported in the literature in individuals affected with PROSC-related conditions. Algorithms developed to predict the effect of missense changes on protein structure and function are either unavailable or do not agree on the potential impact of this missense change (SIFT: "Deleterious"; PolyPhen-2: "Possibly Damaging"; Align-GVGD: "Class C15"). In summary, the available evidence is currently insufficient to determine the role of this variant in disease. Therefore, it has been classified as a Variant of Uncertain Significance.

NM_007198.4(PLPBP):c.560G>T (p.Gly187Val)

Gene: PLPBP (pyridoxal phosphate binding protein; plus strand). Cytogenetic location: 8p11.23.
Variant type: single nucleotide variant.
Coding change: c.560G>T on transcript NM_007198.4 (MANE Select); coding-DNA position 560, G replaced by T.
Protein change: p.Gly187Val; replaces glycine 187 with valine.
Molecular consequence: missense variant.
Genome position (GRCh38, 1-based): chr8:37,775,444, G>T. VCF-style: chr8-37775444-G-T. GRCh37 (hg19) VCF-style: chr8-37632962-G-T.
Other names: c.590G>T, p.Gly197Val (NM_001349346.2); c.554G>T, p.Gly185Val (NM_001349347.2); c.404G>T, p.Gly135Val (NM_001349348.2); short protein forms G135V, G185V, G187V, G197V.
Identifiers: ClinVar variation 1981712 (VCV001981712.1), dbSNP rs370158685, ClinGen allele CA370668521.
Genomic context (GRCh38, chr8:37,775,444, plus strand): 5'-ACATAAACGCCAAGTGTCCTAACCTGGAGTTTGTGGGGCTGATGACCATAGGAAGCTTTG[G>T]GCATGATCTTAGTCAAGGACCAAATCCAGACTTCCAGGTACTGGGGGGTCGGGGAGATTG-3'
Protein context (NP_009129.1, residues 177-197): FVGLMTIGSF[Gly187Val]HDLSQGPNPD